The following is an entry in ClinVar:

ClinVar aggregate classification (germline): Likely benign (0 of 4 stars; one submission).

Conditions:
PRKG2-related disorder. Also called: PRKG2-related condition.

Submission:

PreventionGenetics, part of Exact Sciences
Classification: Likely benign for PRKG2-related condition. Last evaluated: 2019-06-19. Review status: no assertion criteria provided. Collection method: clinical testing. Allele origin: germline.
Comment: This variant is classified as likely benign based on ACMG/AMP sequence variant interpretation guidelines (Richards et al. 2015 PMID: 25741868, with internal and published modifications).

NM_006259.3(PRKG2):c.1941-10_1941-7del

Gene: PRKG2 (protein kinase cGMP-dependent 2; minus strand). Cytogenetic location: 4q21.21.
Variant type: Deletion.
Coding change: c.1941-10_1941-7del on transcript NM_006259.3 (MANE Select); 10 bases into the intron before coding-DNA position 1941 through 7 bases into the intron before coding-DNA position 1941, 4 bases deleted (CTCT; older notation c.1941-10_1941-7delCTCT).
Molecular consequence: intron variant.
Genome position (GRCh38, 1-based): chr4:81,105,942-81,105,945, AGAG deleted on the plus strand (CTCT on the coding strand, the reverse complement: PRKG2 is on the minus strand); deleting any 4 consecutive bases within chr4:81,105,942-81,105,946 gives the same sequence; the c. name uses the placement nearest the transcript's 3' end. VCF-style (leftmost placement, unchanged base first): chr4-81105941-TAGAG-T. GRCh37 (hg19) VCF-style: chr4-82027095-TAGAG-T.
Other names: c.594-10_594-7del (NM_001282482.1); c.501-10_501-7del (NM_001282483.1); c.681-10_681-7del (NM_001282481.1, NM_001282480.1); c.1854-10_1854-7del (NM_001282485.2); c.1941-10_1941-7del (NM_001363401.2).
Identifiers: ClinVar variation 3043457 (VCV003043457.2), dbSNP rs569602525, ClinGen allele CA2983533.